The following is an entry in ClinVar:

NM_006766.5(KAT6A):c.3858A>G (p.Ser1286=)

Gene: KAT6A (lysine acetyltransferase 6A; minus strand). Cytogenetic location: 8p11.21.
Variant type: single nucleotide variant.
Coding change: c.3858A>G on transcript NM_006766.5 (MANE Select); coding-DNA position 3858, A replaced by G.
Protein change: p.Ser1286=; no amino-acid change (serine 1286 retained).
Molecular consequence: synonymous variant.
Genome position (GRCh38, 1-based): chr8:41,934,362, T>C on the plus strand (A>G on the coding strand, the complement: KAT6A is on the minus strand). VCF-style: chr8-41934362-T-C. GRCh37 (hg19) VCF-style: chr8-41791880-T-C.
Identifiers: ClinVar variation 5041677 (VCV005041677.1).

ClinVar aggregate classification (germline): Likely benign (1 of 4 stars; one submission).

Submission:

CeGaT Center for Human Genetics Tuebingen
Classification: Likely benign. Last evaluated: 2026-09-01. Review status: criteria provided, single submitter. Criteria: CeGaT Center For Human Genetics Tuebingen Variant Classification Criteria Version 2. Collection method: clinical testing. Allele origin: germline. Affected: yes. Observed: 1 variant allele.
Comment: KAT6A: PM2:Supporting, BP4, BP7